The following is an entry in ClinVar:

ClinVar aggregate classification (germline): Uncertain significance (1 of 4 stars; one submission).

Conditions:
Blau syndrome (BLAUS). Also called: ARTHROCUTANEOUVEAL GRANULOMATOSIS; GRANULOMATOSIS, FAMILIAL JUVENILE SYSTEMIC; GRANULOMATOSIS, FAMILIAL, BLAU TYPE; GRANULOMATOUS INFLAMMATORY ARTHRITIS, DERMATITIS, AND UVEITIS, FAMILIAL; JABS SYNDROME. Identifiers: Orphanet 90340, MedGen C5201146, MONDO:0008523, OMIM 186580.
Regional enteritis. Also called: Enteritis, Granulomatous. Identifiers: MedGen C0678202, MeSH D003424.

Submission:

Labcorp Genetics (formerly Invitae), Labcorp
Classification: Uncertain significance for Regional enteritis; Blau syndrome. Last evaluated: 2021-09-28. Review status: criteria provided, single submitter. Criteria: Invitae Variant Classification Sherloc (09022015). Collection method: clinical testing. Allele origin: germline.
Comment: Advanced modeling of protein sequence and biophysical properties (such as structural, functional, and spatial information, amino acid conservation, physicochemical variation, residue mobility, and thermodynamic stability) performed at Invitae indicates that this missense variant is not expected to disrupt NOD2 protein function. In summary, the available evidence is currently insufficient to determine the role of this variant in disease. Therefore, it has been classified as a Variant of Uncertain Significance. This variant has not been reported in the literature in individuals affected with NOD2-related conditions. This sequence change replaces histidine with arginine at codon 496 of the NOD2 protein (p.His496Arg). The histidine residue is highly conserved and there is a small physicochemical difference between histidine and arginine. This variant is not present in population databases (ExAC no frequency).

NM_001370466.1(NOD2):c.1406A>G (p.His469Arg)

Gene: NOD2 (nucleotide binding oligomerization domain containing 2; plus strand). Cytogenetic location: 16q12.1.
Variant type: single nucleotide variant.
Coding change: c.1406A>G on transcript NM_001370466.1 (MANE Select); coding-DNA position 1406, A replaced by G.
Protein change: p.His469Arg; replaces histidine 469 with arginine.
Molecular consequence: missense variant. On other transcripts: non-coding transcript variant (1).
Genome position (GRCh38, 1-based): chr16:50,711,398, A>G. VCF-style: chr16-50711398-A-G. GRCh37 (hg19) VCF-style: chr16-50745309-A-G.
Other names: c.1406A>G, p.His469Arg (NM_001293557.2); c.1487A>G, p.His496Arg (NM_022162.3); short protein forms H469R, H496R.
Identifiers: ClinVar variation 1429314 (VCV001429314.6), dbSNP rs104895472, ClinGen allele CA395869027.